The following is an entry in ClinVar:

NM_004408.4(DNM1):c.1008C>T (p.Phe336=)

Gene: DNM1 (dynamin 1; plus strand). Cytogenetic location: 9q34.11.
Variant type: single nucleotide variant.
Coding change: c.1008C>T on transcript NM_004408.4 (MANE Select); coding-DNA position 1008, C replaced by T.
Protein change: p.Phe336=; no amino-acid change (phenylalanine 336 retained).
Molecular consequence: synonymous variant.
Genome position (GRCh38, 1-based): chr9:128,222,476, C>T. VCF-style: chr9-128222476-C-T. GRCh37 (hg19) VCF-style: chr9-130984755-C-T.
Other names: p.Phe336=; c.1008C>T, p.Phe336= (NM_001005336.3, NM_001288737.2, NM_001288738.2 and 1 more transcripts).
Identifiers: ClinVar variation 380777 (VCV000380777.21), dbSNP rs3003609, ClinGen allele CA5257965.
Genomic context (GRCh38, chr9:128,222,476, plus strand): 5'-GCTGGGCTGCTCCTGCCCCCTCAGGCCACACCACTCTCCCACCAGGATGGTCCAGCAGTT[C>T]GCCGTAGACTTTGAGAAGCGCATTGAGGGCTCAGGAGATCAGATCGACACCTACGAACTG-3'
Protein context (NP_004399.2, residues 326-346): TKALLQMVQQ[Phe336=]AVDFEKRIEG

ClinVar aggregate classification (germline): Benign. Review status: criteria provided, multiple submitters, no conflicts (2 of 4 stars). 8 submissions from 8 submitters: Benign (8). Last evaluated 2026-02-04.

Conditions:
Inborn genetic diseases. Identifiers: MedGen C0950123, MeSH D030342.
Developmental and epileptic encephalopathy, 31A. Also called: Developmental and epileptic encephalopathy, 31; Epileptic encephalopathy, early infantile, 31. Identifiers: Orphanet 2382, MedGen C4225357, MONDO:0014598, OMIM 616346.

Allele frequency attached by ClinVar (database versions not stated): ESP Exome Variant Server 0.40427; gnomAD 0.41986 and 0.43085; TOPMed 0.42449; 1000 Genomes Project 30x 0.44863; 1000 Genomes Project 0.45467; ExAC 0.53254; gnomAD exomes 0.54196 and 0.54294.
gnomAD v4.1: 858,414 of 1,613,764 alleles (53%); highest among the groups gnomAD compares: Admixed American, 67%; 236,688 homozygotes.

Submissions (8):

Labcorp Genetics (formerly Invitae), Labcorp
Classification: Benign for Developmental and epileptic encephalopathy, 31A. Last evaluated: 2026-02-04. Review status: criteria provided, single submitter. Criteria: Invitae Variant Classification Sherloc (09022015). Collection method: clinical testing. Allele origin: germline.

Unidad de Genómica Garrahan, Hospital de Pediatría Garrahan
Classification: Benign. Last evaluated: 2024-07-15. Review status: criteria provided, single submitter. Criteria: ACMG Guidelines, 2015. Collection method: clinical testing. Allele origin: germline. Affected: no. Observed: 82 variant alleles.
Comment: This variant is classified as Benign based on local population frequency. This variant was detected in 88% of patients studied in a panel designed for Epileptic and Developmental Encephalopathy and Progressive Myoclonus Epilepsy. Number of patients: 82. Only high quality variants are reported.

Genome-Nilou Lab
Classification: Benign for Developmental and epileptic encephalopathy, 31A. Last evaluated: 2021-07-30. Review status: criteria provided, single submitter. Criteria: ACMG Guidelines, 2015. Collection method: clinical testing. Allele origin: germline. Affected: no.

Mayo Clinic Laboratories, Mayo Clinic
Classification: Benign. Last evaluated: 2018-06-26. Review status: criteria provided, single submitter. Criteria: ACMG Guidelines, 2015. Collection method: clinical testing. Allele origin: germline. Observed: 425 variant alleles.

Athena Diagnostics
Classification: Benign. Last evaluated: 2017-04-20. Review status: criteria provided, single submitter. Criteria: Athena Diagnostics Criteria. Collection method: clinical testing. Allele origin: germline.

GeneDx
Classification: Benign. Last evaluated: 2016-01-06. Review status: criteria provided, single submitter. Criteria: GeneDx Variant Classification (06012015). Collection method: clinical testing. Allele origin: germline. Affected: yes.
Comment: This variant is considered likely benign or benign based on one or more of the following criteria: it is a conservative change, it occurs at a poorly conserved position in the protein, it is predicted to be benign by multiple in silico algorithms, and/or has population frequency not consistent with disease.

Ambry Genetics
Classification: Benign for Inborn genetic diseases. Last evaluated: 2015-12-31. Review status: criteria provided, single submitter. Criteria: Ambry Variant Classification Scheme 2023. Collection method: clinical testing. Allele origin: germline.

Breakthrough Genomics
Classification: Benign. Review status: criteria provided, single submitter. Criteria: ACMG Guidelines, 2015. Collection method: not provided. Allele origin: germline. Inheritance: Autosomal dominant inheritance. Affected: yes.